The following is an entry in ClinVar:

NM_001276270.2(MBD4):c.784A>G (p.Ser262Gly)

Gene: MBD4 (methyl-CpG binding domain 4, DNA glycosylase; minus strand). Cytogenetic location: 3q21.3.
Variant type: single nucleotide variant.
Coding change: c.784A>G on transcript NM_001276270.2 (MANE Select); coding-DNA position 784, A replaced by G.
Protein change: p.Ser262Gly; replaces serine 262 with glycine.
Molecular consequence: missense variant. On other transcripts: intron variant (1).
Genome position (GRCh38, 1-based): chr3:129,436,860, T>C on the plus strand (A>G on the coding strand, the complement: MBD4 is on the minus strand). VCF-style: chr3-129436860-T-C. GRCh37 (hg19) VCF-style: chr3-129155703-T-C.
Other names: c.784A>G, p.Ser262Gly (NM_001276271.2, NM_001276272.2, NM_003925.3); c.247+948A>G (NM_001276273.2); short protein forms S262G.
Identifiers: ClinVar variation 3654173 (VCV003654173.2).

ClinVar aggregate classification (germline): Uncertain significance (1 of 4 stars; one submission).

Submission:

Labcorp Genetics (formerly Invitae), Labcorp
Classification: Uncertain significance. Last evaluated: 2024-09-27. Review status: criteria provided, single submitter. Criteria: Invitae Variant Classification Sherloc (09022015). Collection method: clinical testing. Allele origin: germline.
Comment: This sequence change replaces serine, which is neutral and polar, with glycine, which is neutral and non-polar, at codon 262 of the MBD4 protein (p.Ser262Gly). This variant is not present in population databases (gnomAD no frequency). This variant has not been reported in the literature in individuals affected with MBD4-related conditions. An algorithm developed to predict the effect of missense changes on protein structure and function outputs the following: PolyPhen-2: "Benign". The glycine amino acid residue is found in multiple mammalian species, which suggests that this missense change does not adversely affect protein function. In summary, the available evidence is currently insufficient to determine the role of this variant in disease. Therefore, it has been classified as a Variant of Uncertain Significance.